The following is an entry in ClinVar:

NM_000138.5(FBN1):c.3590-8T>C

Gene: FBN1 (fibrillin 1; minus strand). Cytogenetic location: 15q21.1.
Variant type: single nucleotide variant.
Coding change: c.3590-8T>C on transcript NM_000138.5 (MANE Select); 8 bases into the intron before coding-DNA position 3590, T replaced by C.
Molecular consequence: intron variant.
Genome position (GRCh38, 1-based): chr15:48,485,504, A>G on the plus strand (T>C on the coding strand, the complement: FBN1 is on the minus strand). VCF-style: chr15-48485504-A-G. GRCh37 (hg19) VCF-style: chr15-48777701-A-G.
Identifiers: ClinVar variation 137306 (VCV000137306.25), dbSNP rs140600, ClinGen allele CA014339.

ClinVar aggregate classification (germline): Conflicting classifications of pathogenicity. Review status: criteria provided, conflicting classifications (1 of 4 stars). 15 submissions from 9 submitters: Uncertain significance (3); Benign (2); Likely benign (9). 1 of the submissions does not count toward it. Last evaluated 2026-09-21.

Conditions:
FBN1-related disorder. Also called: FBN1-related disorders.
Geleophysic dysplasia. Identifiers: Orphanet 2623, MedGen C3489726, MONDO:0000127.
Weill-Marchesani syndrome. Also called: WM Syndrome; Mesodermal dysmorphodystrophy congenital. Identifiers: Orphanet 3449, MedGen C0265313, MONDO:0018096.
Marfan syndrome (MFS). Also called: MARFAN SYNDROME, TYPE I; Marfan syndrome type 1; Marfan's syndrome; Marfan syndrome, classic; FBN1-Related Marfan Syndrome. Identifiers: Orphanet 284963, Orphanet 558, MedGen C0024796, MONDO:0007947, OMIM 154700.
Familial thoracic aortic aneurysm and aortic dissection (TAAD). Also called: Thoracic aortic aneurysms and dissections. Identifiers: Orphanet 91387, MedGen C4707243, MONDO:0019625.
Acromicric dysplasia (ACMICD). Also called: Acromicric skeletal dysplasia. Identifiers: Orphanet 969, MedGen C0265287, MONDO:0007055, OMIM 102370.
Ectopia lentis 1, isolated, autosomal dominant (ECTOL1). Identifiers: Orphanet 1885, MedGen C3541518, MONDO:0007514, OMIM 129600.
Stiff skin syndrome (SSKS). Identifiers: Orphanet 2833, MedGen C1861456, MONDO:0008492, OMIM 184900.

Allele frequency attached by ClinVar (database versions not stated): TOPMed 0.00017; ExAC 0.00007; ESP Exome Variant Server 0.00008; gnomAD exomes 0.00009 and 0.00021; gnomAD 0.00018.
gnomAD v4.1: 347 of 1,613,996 alleles (0.021%); highest among the groups gnomAD compares: Non-Finnish European, 0.027%; 1 homozygote.

Submissions (15):

Molecular Diagnostic Laboratory for Inherited Cardiovascular Disease, Montreal Heart Institute
Classification: Likely benign. Last evaluated: 2026-09-21. Review status: criteria provided, single submitter. Criteria: ACMG Guidelines, 2015. Collection method: clinical testing. Allele origin: germline. Affected: no.

Labcorp Genetics (formerly Invitae), Labcorp
Classification: Likely benign for Marfan syndrome; Familial thoracic aortic aneurysm and aortic dissection. Last evaluated: 2026-01-20. Review status: criteria provided, single submitter. Criteria: Invitae Variant Classification Sherloc (09022015). Collection method: clinical testing. Allele origin: germline.

Women's Health and Genetics/Laboratory Corporation of America, LabCorp
Classification: Benign. Last evaluated: 2025-04-23. Review status: criteria provided, single submitter. Criteria: LabCorp Variant Classification Summary - May 2015. Collection method: clinical testing. Allele origin: germline.
Comment: Variant summary: FBN1 c.3590-8T>C alters a nucleotide located at a position not widely known to affect splicing. Consensus agreement among computation tools predict no significant impact on normal splicing. However, these predictions have yet to be confirmed by functional studies. The variant allele was found at a frequency of 0.00021 in 1613996 control chromosomes in the gnomAD database, including 1 homozygote. The observed variant frequency is approximately 2-fold of the estimated maximal expected allele frequency for a pathogenic variant in FBN1 causing Marfan Syndrome phenotype (0.00011). To our knowledge, no occurrence of c.3590-8T>C in individuals affected with Marfan Syndrome and no experimental evidence demonstrating its impact on protein function have been reported. ClinVar contains an entry for this variant (Variation ID: 137306). Based on the evidence outlined above, the variant was classified as benign.

Blueprint Genetics
Classification: Likely benign. Last evaluated: 2024-06-05. Review status: criteria provided, single submitter. Criteria: ACMG Guidelines, 2015. Collection method: clinical testing. Allele origin: germline.

CHEO Genetics Diagnostic Laboratory, Children's Hospital of Eastern Ontario
Classification: Uncertain significance for Familial thoracic aortic aneurysm and aortic dissection. Last evaluated: 2022-02-14. Review status: criteria provided, single submitter. Criteria: ACMG Guidelines, 2015. Collection method: clinical testing. Allele origin: germline.

Color Diagnostics, LLC DBA Color Health
Classification: Likely benign for Familial thoracic aortic aneurysm and aortic dissection. Last evaluated: 2018-05-21. Review status: criteria provided, single submitter. Criteria: ACMG Guidelines, 2015. Collection method: clinical testing. Allele origin: germline.

Illumina Laboratory Services, Illumina
Classification: Likely benign for Weill-Marchesani syndrome. Last evaluated: 2018-01-12. Review status: criteria provided, single submitter. Criteria: ICSL Variant Classification Criteria 13 December 2019. Collection method: clinical testing. Allele origin: germline.
Comment: This variant was observed in the ICSL laboratory as part of a predisposition screen in an ostensibly healthy population. It had not been previously curated by ICSL or reported in the Human Gene Mutation Database (HGMD: prior to June 1st, 2018), and was therefore a candidate for classification through an automated scoring system. Utilizing variant allele frequency, disease prevalence and penetrance estimates, and inheritance mode, an automated score was calculated to assess if this variant is too frequent to cause the disease. Based on the score and internal cut-off values, a variant classified as likely benign is not then subjected to further curation. The score for this variant resulted in a classification of likely benign for this disease.

Illumina Laboratory Services, Illumina
Classification: Uncertain significance for Marfan syndrome. Last evaluated: 2018-01-12. Review status: criteria provided, single submitter. Criteria: ICSL Variant Classification Criteria 13 December 2019. Collection method: clinical testing. Allele origin: germline.

Illumina Laboratory Services, Illumina
Classification: Likely benign for Ectopia lentis 1, isolated, autosomal dominant. Last evaluated: 2018-01-12. Review status: criteria provided, single submitter. Criteria: ICSL Variant Classification Criteria 13 December 2019. Collection method: clinical testing. Allele origin: germline.
Comment: the same text as in the submission from Illumina Laboratory Services, Illumina above.

Illumina Laboratory Services, Illumina
Classification: Likely benign for Acromicric dysplasia. Last evaluated: 2018-01-12. Review status: criteria provided, single submitter. Criteria: ICSL Variant Classification Criteria 13 December 2019. Collection method: clinical testing. Allele origin: germline.
Comment: the same text as in the submission from Illumina Laboratory Services, Illumina above.

Illumina Laboratory Services, Illumina
Classification: Uncertain significance for Familial thoracic aortic aneurysm and aortic dissection. Last evaluated: 2018-01-12. Review status: criteria provided, single submitter. Criteria: ICSL Variant Classification Criteria 13 December 2019. Collection method: clinical testing. Allele origin: germline.

Illumina Laboratory Services, Illumina
Classification: Likely benign for Geleophysic dysplasia. Last evaluated: 2018-01-12. Review status: criteria provided, single submitter. Criteria: ICSL Variant Classification Criteria 13 December 2019. Collection method: clinical testing. Allele origin: germline.
Comment: the same text as in the submission from Illumina Laboratory Services, Illumina above.

Illumina Laboratory Services, Illumina
Classification: Likely benign for Stiff skin syndrome. Last evaluated: 2018-01-12. Review status: criteria provided, single submitter. Criteria: ICSL Variant Classification Criteria 13 December 2019. Collection method: clinical testing. Allele origin: germline.
Comment: the same text as in the submission from Illumina Laboratory Services, Illumina above.

GeneDx
Classification: Benign. Last evaluated: 2014-04-16. Review status: criteria provided, single submitter. Criteria: GeneDx Variant Classification (06012015). Collection method: clinical testing. Allele origin: germline. Affected: yes.
Comment: This variant is considered likely benign or benign based on one or more of the following criteria: it is a conservative change, it occurs at a poorly conserved position in the protein, it is predicted to be benign by multiple in silico algorithms, and/or has population frequency not consistent with disease.

PreventionGenetics, part of Exact Sciences
Classification: Likely benign for FBN1-related condition. Last evaluated: 2019-12-09. Review status: no assertion criteria provided. Collection method: clinical testing. Allele origin: germline. Not counted in ClinVar's aggregate classification.
Comment: This variant is classified as likely benign based on ACMG/AMP sequence variant interpretation guidelines (Richards et al. 2015 PMID: 25741868, with internal and published modifications).